The following is an entry in ClinVar:

NM_000263.4(NAGLU):c.1681C>G (p.Leu561Val)

Gene: NAGLU (N-acetyl-alpha-glucosaminidase; plus strand). Cytogenetic location: 17q21.2.
Variant type: single nucleotide variant.
Coding change: c.1681C>G on transcript NM_000263.4 (MANE Select); coding-DNA position 1681, C replaced by G.
Protein change: p.Leu561Val; replaces leucine 561 with valine.
Molecular consequence: missense variant.
Genome position (GRCh38, 1-based): chr17:42,543,687, C>G. VCF-style: chr17-42543687-C-G. GRCh37 (hg19) VCF-style: chr17-40695705-C-G.
Other names: short protein forms L561V.
Identifiers: ClinVar variation 2951244 (VCV002951244.3), dbSNP rs1335776131, ClinGen allele CA399604453.
Genomic context (GRCh38, chr17:42,543,687, plus strand): 5'-CGGCTGCTGCTCACATCTGCTCCCTCCCTGGCCACCAGCCCCGCCTTCCGCTACGACCTG[C>G]TGGACCTCACTCGGCAGGCAGTGCAGGAGCTGGTCAGCTTGTACTATGAGGAGGCAAGAA-3'
Protein context (NP_000254.2, residues 551-571): ATSPAFRYDL[Leu561Val]DLTRQAVQEL

ClinVar aggregate classification (germline): Likely pathogenic (1 of 4 stars; one submission).

Conditions:
Charcot-Marie-Tooth disease axonal type 2V. Also called: CHARCOT-MARIE-TOOTH NEUROPATHY, TYPE 2V; CHARCOT-MARIE-TOOTH DISEASE, AXONAL, AUTOSOMAL DOMINANT, TYPE 2V. Identifiers: Orphanet 447964, MedGen C5569050, MONDO:0014665, OMIM 616491.
Mucopolysaccharidosis, MPS-III-B (MPS3B). Also called: N-ACETYL-ALPHA-D-GLUCOSAMINIDASE DEFICIENCY; NAGLU DEFICIENCY; SANFILIPPO SYNDROME B; MPS III B; Mucopolysaccharidosis type IIIB (Sanfilippo B); MUCOPOLYSACCHARIDOSIS, TYPE IIIB. Identifiers: Orphanet 79270, MedGen C0086648, MONDO:0009656, OMIM 252920.

Submission:

Labcorp Genetics (formerly Invitae), Labcorp
Classification: Likely pathogenic for Charcot-Marie-Tooth disease axonal type 2V; Mucopolysaccharidosis, MPS-III-B. Last evaluated: 2023-08-24. Review status: criteria provided, single submitter. Criteria: Invitae Variant Classification Sherloc (09022015). Collection method: clinical testing. Allele origin: germline.
Comment: In summary, the currently available evidence indicates that the variant is pathogenic, but additional data are needed to prove that conclusively. Therefore, this variant has been classified as Likely Pathogenic. This sequence change replaces leucine, which is neutral and non-polar, with valine, which is neutral and non-polar, at codon 561 of the NAGLU protein (p.Leu561Val). This variant is not present in population databases (gnomAD no frequency). This variant has not been reported in the literature in individuals affected with NAGLU-related conditions. Advanced modeling of protein sequence and biophysical properties (such as structural, functional, and spatial information, amino acid conservation, physicochemical variation, residue mobility, and thermodynamic stability) performed at Invitae indicates that this missense variant is expected to disrupt NAGLU protein function. This variant disrupts the p.Leu521 amino acid residue in NAGLU. Other variant(s) that disrupt this residue have been determined to be pathogenic (PMID: 9950362). This suggests that this residue is clinically significant, and that variants that disrupt this residue are likely to be disease-causing.

Literature cited by the submitters: PubMed 9950362.